The following is an entry in ClinVar:

NM_001164665.2(KIAA1549):c.2148G>T (p.Val716=)

Gene: KIAA1549 (KIAA1549; minus strand). Cytogenetic location: 7q34.
Variant type: single nucleotide variant.
Coding change: c.2148G>T on transcript NM_001164665.2 (MANE Select); coding-DNA position 2148, G replaced by T.
Protein change: p.Val716=; no amino-acid change (valine 716 retained).
Molecular consequence: synonymous variant.
Genome position (GRCh38, 1-based): chr7:138,917,478, C>A on the plus strand (G>T on the coding strand, the complement: KIAA1549 is on the minus strand). VCF-style: chr7-138917478-C-A. GRCh37 (hg19) VCF-style: chr7-138602224-C-A.
Other names: c.2148G>T (NM_001164665.1); c.2148G>T, p.Val716= (NM_020910.3).
Identifiers: ClinVar variation 1127362 (VCV001127362.11), dbSNP rs753283721, ClinGen allele CA4506565.

ClinVar aggregate classification (germline): Likely benign. Review status: criteria provided, single submitter (1 of 4 stars). 2 submissions from 2 submitters: Likely benign (1). 1 of the submissions does not count toward it. Last evaluated 2024-11-18.

Conditions:
KIAA1549-related disorder. Also called: KIAA1549-related condition.

Allele frequency attached by ClinVar (database versions not stated): ExAC 0.00001; gnomAD 0.00001; gnomAD exomes 0.00001; TOPMed 0.00001.
gnomAD v4.1: 12 of 1,613,722 alleles (0.00074%); highest among the groups gnomAD compares: Non-Finnish European, 0.00093%; no homozygotes.

Submissions (2):

Labcorp Genetics (formerly Invitae), Labcorp
Classification: Likely benign. Last evaluated: 2024-11-18. Review status: criteria provided, single submitter. Criteria: Invitae Variant Classification Sherloc (09022015). Collection method: clinical testing. Allele origin: germline.

PreventionGenetics, part of Exact Sciences
Classification: Likely benign for KIAA1549-related condition. Last evaluated: 2019-02-21. Review status: no assertion criteria provided. Collection method: clinical testing. Allele origin: germline. Not counted in ClinVar's aggregate classification.
Comment: This variant is classified as likely benign based on ACMG/AMP sequence variant interpretation guidelines (Richards et al. 2015 PMID: 25741868, with internal and published modifications).